The following is an entry in ClinVar:

NM_000051.4(ATM):c.6573-124T>A

Genes: C11orf65 (chromosome 11 open reading frame 65; minus strand), ATM (ATM serine/threonine kinase; plus strand). Cytogenetic location: 11q22.3.
Variant type: single nucleotide variant.
Coding change: c.6573-124T>A on transcript NM_000051.4 (MANE Select); 124 bases into the intron before coding-DNA position 6573, T replaced by A.
Molecular consequence: intron variant.
Genome position (GRCh38, 1-based): chr11:108,325,186, T>A. VCF-style: chr11-108325186-T-A. GRCh37 (hg19) VCF-style: chr11-108195913-T-A.
Other names: c.641-16115A>T (NM_001330368.2); c.*38+10034A>T (NM_001351110.2); c.6573-124T>A (NM_001351834.2).
Identifiers: ClinVar variation 677886 (VCV000677886.5), dbSNP rs4988102, ClinGen allele CA228411691.

ClinVar aggregate classification (germline): Likely benign. Review status: criteria provided, multiple submitters, no conflicts (2 of 4 stars). 3 submissions from 3 submitters: Likely benign (3). Last evaluated 2022-04-19.

Conditions:
Hereditary breast ovarian cancer syndrome. Also called: Hereditary breast and ovarian cancer; Hereditary breast and/or ovarian cancer syndrome; Hereditary breast and ovarian cancer syndrome; BRCA1- and BRCA2-Associated Hereditary Breast and Ovarian Cancer; Hereditary breast and ovarian cancer syndrome (HBOC); Breast and ovarian cancer. Identifiers: Orphanet 145, MedGen C0677776, MeSH D061325, MONDO:0003582. Disease mechanism: loss of function.

Allele frequency attached by ClinVar (database versions not stated): gnomAD 0.00681 and 0.00726; TOPMed 0.00799; 1000 Genomes Project 30x 0.01031; gnomAD exomes 0.00084; 1000 Genomes Project 0.01018.
gnomAD v4.1: 1,526 of 673,500 alleles (0.23%); highest among the groups gnomAD compares: African/African-American, 2.3%; 18 homozygotes.

Submissions (3):

National Health Laboratory Service, Universitas Academic Hospital and University of the Free State
Classification: Likely benign for Hereditary breast ovarian cancer syndrome. Last evaluated: 2022-04-19. Review status: criteria provided, single submitter. Criteria: ACMG Guidelines, 2015. Collection method: clinical testing. Allele origin: germline. Affected: yes. Observed: 13 variant alleles.

GeneDx
Classification: Likely benign. Last evaluated: 2018-06-18. Review status: criteria provided, single submitter. Criteria: GeneDx Variant Classification (06012015). Collection method: clinical testing. Allele origin: germline. Affected: yes.
Comment: This variant is considered likely benign or benign based on one or more of the following criteria: it is a conservative change, it occurs at a poorly conserved position in the protein, it is predicted to be benign by multiple in silico algorithms, and/or has population frequency not consistent with disease.

Breakthrough Genomics
Classification: Likely benign. Review status: criteria provided, single submitter. Criteria: ACMG Guidelines, 2015. Collection method: not provided. Allele origin: germline. Inheritance: Autosomal recessive inheritance. Affected: yes.